The following is an entry in ClinVar:

NM_014444.5(TUBGCP4):c.1153A>G (p.Thr385Ala)

Gene: TUBGCP4 (tubulin gamma complex component 4; plus strand). Cytogenetic location: 15q15.3.
Variant type: single nucleotide variant.
Coding change: c.1153A>G on transcript NM_014444.5 (MANE Select); coding-DNA position 1153, A replaced by G.
Protein change: p.Thr385Ala; replaces threonine 385 with alanine.
Molecular consequence: missense variant.
Genome position (GRCh38, 1-based): chr15:43,395,670, A>G. VCF-style: chr15-43395670-A-G. GRCh37 (hg19) VCF-style: chr15-43687868-A-G.
Other names: c.1153A>G, p.Thr385Ala (NM_001286414.3); c.1153A>G (NM_014444.2); short protein forms T385A.
Identifiers: ClinVar variation 839387 (VCV000839387.8), dbSNP rs935336957, ClinGen allele CA269998934.

ClinVar aggregate classification (germline): Uncertain significance. Review status: criteria provided, multiple submitters, no conflicts (2 of 4 stars). 2 submissions from 2 submitters: Uncertain significance (2). Last evaluated 2025-04-10.

Conditions:
Inborn genetic diseases. Identifiers: MedGen C0950123, MeSH D030342.

Allele frequency attached by ClinVar (database versions not stated): TOPMed 0.00004; gnomAD exomes below 0.00001; gnomAD 0.00002.
gnomAD v4.1: 4 of 1,613,618 alleles (0.00025%); highest among the groups gnomAD compares: Admixed American, 0.0067%; no homozygotes.

Submissions (2):

Ambry Genetics
Classification: Uncertain significance for Inborn genetic diseases. Last evaluated: 2025-04-10. Review status: criteria provided, single submitter. Criteria: Ambry Variant Classification Scheme 2023. Collection method: clinical testing. Allele origin: germline.

Labcorp Genetics (formerly Invitae), Labcorp
Classification: Uncertain significance. Last evaluated: 2021-08-28. Review status: criteria provided, single submitter. Criteria: Invitae Variant Classification Sherloc (09022015). Collection method: clinical testing. Allele origin: germline.
Comment: This sequence change replaces threonine with alanine at codon 385 of the TUBGCP4 protein (p.Thr385Ala). The threonine residue is highly conserved and there is a small physicochemical difference between threonine and alanine. This variant is not present in population databases (ExAC no frequency). This variant has not been reported in the literature in individuals affected with TUBGCP4-related conditions. Algorithms developed to predict the effect of missense changes on protein structure and function (SIFT, PolyPhen-2, Align-GVGD) all suggest that this variant is likely to be tolerated. In summary, the available evidence is currently insufficient to determine the role of this variant in disease. Therefore, it has been classified as a Variant of Uncertain Significance.